The following is an entry in ClinVar:

ClinVar aggregate classification (germline): Likely benign (1 of 4 stars; one submission).

Allele frequency attached by ClinVar (database versions not stated): ExAC 0.00002; gnomAD 0.00003; gnomAD exomes 0.00002.
gnomAD v4.1: 4 of 1,602,288 alleles (0.00025%); highest among the groups gnomAD compares: Admixed American, 0.0067%; no homozygotes.

Submission:

GeneDx
Classification: Likely benign. Last evaluated: 2017-07-12. Review status: criteria provided, single submitter. Criteria: GeneDx Variant Classification (06012015). Collection method: clinical testing. Allele origin: germline. Affected: yes.
Comment: This variant is considered likely benign or benign based on one or more of the following criteria: it is a conservative change, it occurs at a poorly conserved position in the protein, it is predicted to be benign by multiple in silico algorithms, and/or has population frequency not consistent with disease.

NM_020774.4(MIB1):c.908+11T>C

Gene: MIB1 (MIB E3 ubiquitin protein ligase 1; plus strand). Cytogenetic location: 18q11.2.
Variant type: single nucleotide variant.
Coding change: c.908+11T>C on transcript NM_020774.4 (MANE Select); 11 bases into the intron after coding-DNA position 908, T replaced by C.
Molecular consequence: intron variant.
Genome position (GRCh38, 1-based): chr18:21,779,696, T>C. VCF-style: chr18-21779696-T-C. GRCh37 (hg19) VCF-style: chr18-19359657-T-C.
Identifiers: ClinVar variation 510701 (VCV000510701.1), dbSNP rs747807993, ClinGen allele CA8908145.